The following is an entry in ClinVar:

ClinVar aggregate classification (germline): Pathogenic (1 of 4 stars; one submission).

Submission:

Quest Diagnostics Nichols Institute San Juan Capistrano
Classification: Pathogenic. Last evaluated: 2019-08-26. Review status: criteria provided, single submitter. Criteria: Quest Diagnostics criteria. Collection method: clinical testing. Allele origin: unknown.
Comment: Not found in the total gnomAD dataset, and the data is high quality. Found in at least one patient with expected phenotype for this gene. Predicted to have a damaging effect on the protein. One other pathogenic or likely pathogenic variant affects the same amino acid. Assessment of experimental evidence suggests this variant results in abnormal protein function. Statistically associated with disease in a single family.

Literature cited by the submitters: PubMed 11073720; PubMed 28938413.

NM_001354712.2(THRB):c.928A>T (p.Met310Leu)

Gene: THRB (thyroid hormone receptor beta; minus strand). Cytogenetic location: 3p24.2.
Variant type: single nucleotide variant.
Coding change: c.928A>T on transcript NM_001354712.2 (MANE Select); coding-DNA position 928, A replaced by T.
Protein change: p.Met310Leu; replaces methionine 310 with leucine.
Molecular consequence: missense variant.
Genome position (GRCh38, 1-based): chr3:24,127,715, T>A on the plus strand (A>T on the coding strand, the complement: THRB is on the minus strand). VCF-style: chr3-24127715-T-A. GRCh37 (hg19) VCF-style: chr3-24169206-T-A.
Other names: c.928A>T, p.Met310Leu (NM_000461.5, NM_001128176.3, NM_001128177.2 and 12 more transcripts); c.835A>T, p.Met279Leu (NM_001354714.2, NM_001354715.2); short protein forms M279L, M310L.
Identifiers: ClinVar variation 801289 (VCV000801289.3), dbSNP rs1553611094, ClinGen allele CA351888941.